The following is an entry in ClinVar:

ClinVar aggregate classification (germline): Pathogenic (1 of 4 stars; one submission).

Conditions:
Inborn genetic diseases. Identifiers: MedGen C0950123, MeSH D030342.

Submission:

Ambry Genetics
Classification: Pathogenic for Inborn genetic diseases. Last evaluated: 2025-06-24. Review status: criteria provided, single submitter. Criteria: Ambry Variant Classification Scheme 2023. Collection method: clinical testing. Allele origin: germline.
Comment: The c.1784delA (p.E595Gfs*11) alteration, located in exon 16 (coding exon 15) of the TRPM1 gene, consists of a deletion of one nucleotide at position 1784, causing a translational frameshift with a predicted alternate stop codon after 11 amino acids. This alteration is expected to result in loss of function by premature protein truncation or nonsense-mediated mRNA decay. This variant was not reported in population-based cohorts in the Genome Aggregation Database (gnomAD). Based on the available evidence, this alteration is classified as pathogenic.

NM_001252024.2(TRPM1):c.1850del (p.Glu617fs)

Gene: TRPM1 (transient receptor potential cation channel subfamily M member 1; minus strand). Cytogenetic location: 15q13.3.
Variant type: Deletion.
Coding change: c.1850del on transcript NM_001252024.2 (MANE Select); coding-DNA position 1850, one base deleted (A; older notation c.1850delA).
Protein change: p.Glu617fs; shifts the reading frame from glutamic acid 617.
Molecular consequence: frameshift variant.
Genome position (GRCh38, 1-based): chr15:31,042,188, T deleted on the plus strand (A on the coding strand, the reverse complement: TRPM1 is on the minus strand). VCF-style (leftmost placement, unchanged base first): chr15-31042187-CT-C. GRCh37 (hg19) VCF-style: chr15-31334390-CT-C.
Other names: c.1901del, p.Glu634fs (NM_001252020.2); c.1784del, p.Glu595fs (NM_002420.6); short protein forms E634fs, E617fs, E595fs.
Identifiers: ClinVar variation 4191657 (VCV004191657.1).